The following is an entry in ClinVar:

NM_001085487.3(MYSM1):c.152G>A (p.Trp51Ter)

Gene: MYSM1 (Myb like, SWIRM and MPN domains 1; minus strand). Cytogenetic location: 1p32.1.
Variant type: single nucleotide variant.
Coding change: c.152G>A on transcript NM_001085487.3 (MANE Select); coding-DNA position 152, G replaced by A.
Protein change: p.Trp51Ter; replaces tryptophan 51 with a stop codon.
Molecular consequence: nonsense.
Genome position (GRCh38, 1-based): chr1:58,692,927, C>T on the plus strand (G>A on the coding strand, the complement: MYSM1 is on the minus strand). VCF-style: chr1-58692927-C-T. GRCh37 (hg19) VCF-style: chr1-59158599-C-T.
Other names: short protein forms W51*.
Identifiers: ClinVar variation 2714130 (VCV002714130.3), dbSNP rs2524357635, ClinGen allele CA340533545.

ClinVar aggregate classification (germline): Pathogenic (1 of 4 stars; one submission).

Submission:

Labcorp Genetics (formerly Invitae), Labcorp
Classification: Pathogenic. Last evaluated: 2024-01-29. Review status: criteria provided, single submitter. Criteria: Invitae Variant Classification Sherloc (09022015). Collection method: clinical testing. Allele origin: germline.
Comment: This sequence change creates a premature translational stop signal (p.Trp51*) in the MYSM1 gene. It is expected to result in an absent or disrupted protein product. Loss-of-function variants in MYSM1 are known to be pathogenic (PMID: 24288411, 28115216). This variant is not present in population databases (gnomAD no frequency). This variant has not been reported in the literature in individuals affected with MYSM1-related conditions. Algorithms developed to predict the effect of sequence changes on RNA splicing suggest that this variant may disrupt the consensus splice site. For these reasons, this variant has been classified as Pathogenic.

Literature cited by the submitters: PubMed 24288411; PubMed 28115216.